The following is an entry in ClinVar:

NM_152296.5(ATP1A3):c.1630+2dup

Gene: ATP1A3 (ATPase Na+/K+ transporting subunit alpha 3; minus strand). Cytogenetic location: 19q13.2.
Variant type: Duplication.
Coding change: c.1630+2dup on transcript NM_152296.5 (MANE Select); the canonical splice donor site of the intron after coding-DNA position 1630, one base duplicated (T; older notation c.1630+2dupT).
Molecular consequence: splice donor variant.
Genome position (GRCh38, 1-based): chr19:41,978,604, A duplicated on the plus strand (T on the coding strand, the reverse complement: ATP1A3 is on the minus strand). VCF-style (leftmost placement, unchanged base first): chr19-41978603-C-CA. GRCh37 (hg19) VCF-style: chr19-42482755-C-CA.
Other names: c.1669+2dup (NM_001256214.2); c.1663+2dup (NM_001256213.2).
Identifiers: ClinVar variation 3901287 (VCV003901287.2).

ClinVar aggregate classification (germline): Conflicting classifications of pathogenicity. Review status: criteria provided, conflicting classifications (1 of 4 stars). 2 submissions from 2 submitters: Likely pathogenic (1); Uncertain significance (1). Last evaluated 2025-06-11.

Conditions:
Dystonia 12 (DYT12). Also called: DYT-ATP1A3; Rapid-Onset Dystonia-Parkinsonism (RDP). Identifiers: Orphanet 71517, MedGen C1868681, MONDO:0007496, OMIM 128235.

Submissions (2):

GeneDx
Classification: Uncertain significance. Last evaluated: 2025-06-11. Review status: criteria provided, single submitter. Criteria: GeneDx Variant Classification Process June 2021. Collection method: clinical testing. Allele origin: germline. Affected: yes.
Comment: Not observed at significant frequency in large population cohorts (gnomAD); In silico analysis is inconclusive as to whether the variant alters gene splicing. In the absence of RNA/functional studies, the actual effect of this sequence change is unknown.; Has not been previously published as pathogenic or benign to our knowledge

Department of Traditional Chinese Medicine, Fujian Provincial Hospital
Classification: Likely pathogenic for Dystonia 12. Review status: criteria provided, single submitter. Criteria: ACMG Guidelines, 2015. Collection method: clinical testing. Allele origin: unknown. Affected: yes.
Comment: This is considered to be due to the presence of DYT12 dystonia. Hiroki Sugimoto and Karl M Weigandhave previously reported related mutations (PMID24983657: , PMID:24631656 ). One established pathogenic mechanism of this gene is loss-of-function (LOF), and this variant is predicted to cause impaired protein function. ATP1A3 (NM:152296.5):c.1630+2dup, this mutation is consistent with Likely Pathogenic according to ACMG score and has not been reported so far. Therefore, we consider this novel compound heterozygous mutation to be pathogenic.

Literature cited by the submitters: PubMed 24983657 (cited by Department of Traditional Chinese Medicine, Fujian Provincial Hospital); PubMed 24631656 (cited by Department of Traditional Chinese Medicine, Fujian Provincial Hospital).